The following is an entry in ClinVar:

ClinVar aggregate classification (germline): Uncertain significance (1 of 4 stars; one submission).

Submission:

Labcorp Genetics (formerly Invitae), Labcorp
Classification: Uncertain significance. Last evaluated: 2022-03-04. Review status: criteria provided, single submitter. Criteria: Invitae Variant Classification Sherloc (09022015). Collection method: clinical testing. Allele origin: germline.
Comment: This sequence change replaces proline, which is neutral and non-polar, with alanine, which is neutral and non-polar, at codon 356 of the SLC46A1 protein (p.Pro356Ala). This variant is not present in population databases (gnomAD no frequency). This variant has not been reported in the literature in individuals affected with SLC46A1-related conditions. Experimental studies and prediction algorithms are not available or were not evaluated, and the functional significance of this variant is currently unknown. In summary, the available evidence is currently insufficient to determine the role of this variant in disease. Therefore, it has been classified as a Variant of Uncertain Significance.

NM_080669.6(SLC46A1):c.1066C>G (p.Pro356Ala)

Gene: SLC46A1 (solute carrier family 46 member 1; minus strand). Cytogenetic location: 17q11.2.
Variant type: single nucleotide variant.
Coding change: c.1066C>G on transcript NM_080669.6 (MANE Select); coding-DNA position 1066, C replaced by G.
Protein change: p.Pro356Ala; replaces proline 356 with alanine.
Molecular consequence: missense variant.
Genome position (GRCh38, 1-based): chr17:28,404,631, G>C on the plus strand (C>G on the coding strand, the complement: SLC46A1 is on the minus strand). VCF-style: chr17-28404631-G-C. GRCh37 (hg19) VCF-style: chr17-26731649-G-C.
Other names: c.1066C>G, p.Pro356Ala (NM_001242366.3); short protein forms P356A.
Identifiers: ClinVar variation 1968180 (VCV001968180.5), dbSNP rs998005173, ClinGen allele CA289113828.
Genomic context (GRCh38, chr17:28,404,631, plus strand): 5'-CCCAGTGCCTCTGGGACAAGCTGTCCCTGAGCCCACACACTTTACCTGTGAACATGAGAG[G>C]CGTGATAGTGGCAAAGGCAAAGACCACCATCCCCAGGATGTTGAAGGCCAGGCCGATCTC-3'
Protein context (NP_542400.2, residues 346-366): MVVFAFATIT[Pro356Ala]LMFTGYGLLF